The following is an entry in ClinVar:

ClinVar aggregate classification (germline): Uncertain significance. Review status: criteria provided, multiple submitters, no conflicts (2 of 4 stars). 2 submissions from 2 submitters: Uncertain significance (2). Last evaluated 2024-11-20.

Conditions:
Myofibrillar myopathy 5. Also called: FILAMINOPATHY, AUTOSOMAL DOMINANT; Filaminopathy (type). Identifiers: Orphanet 171445, MedGen C1836050, MONDO:0012289, OMIM 609524.
Distal myopathy with posterior leg and anterior hand involvement. Also called: WILLIAMS DISTAL MYOPATHY. Identifiers: Orphanet 63273, MedGen C3279722, MONDO:0013550, OMIM 614065.
Hypertrophic cardiomyopathy 26. Also called: Cardiomyopathy, familial hypertrophic, 26. Identifiers: Orphanet 75249, MedGen C4310749, MONDO:0014883, OMIM 617047.
Dilated Cardiomyopathy, Dominant.

Allele frequency attached by ClinVar (database versions not stated): gnomAD exomes below 0.00001 and 0.00002; gnomAD 0.00001.
gnomAD v4.1: 29 of 1,614,018 alleles (0.0018%); highest among the groups gnomAD compares: Non-Finnish European, 0.0023%; no homozygotes.

Submissions (2):

GeneDx
Classification: Uncertain significance. Last evaluated: 2024-11-20. Review status: criteria provided, single submitter. Criteria: GeneDx Variant Classification Process June 2021. Collection method: clinical testing. Allele origin: germline. Affected: yes.
Comment: Has not been previously published as pathogenic or benign to our knowledge; Not observed at significant frequency in large population cohorts (gnomAD); In silico analysis supports that this missense variant has a deleterious effect on protein structure/function

Labcorp Genetics (formerly Invitae), Labcorp
Classification: Uncertain significance for Distal myopathy with posterior leg and anterior hand involvement; Myofibrillar myopathy 5; Hypertrophic cardiomyopathy 26. Last evaluated: 2024-11-12. Review status: criteria provided, single submitter. Criteria: Invitae Variant Classification Sherloc (09022015). Collection method: clinical testing. Allele origin: germline.
Comment: This sequence change replaces threonine, which is neutral and polar, with isoleucine, which is neutral and non-polar, at codon 990 of the FLNC protein (p.Thr990Ile). This variant is present in population databases (no rsID available, gnomAD 0.004%). This variant has not been reported in the literature in individuals affected with FLNC-related conditions. ClinVar contains an entry for this variant (Variation ID: 1485451). Invitae Evidence Modeling of protein sequence and biophysical properties (such as structural, functional, and spatial information, amino acid conservation, physicochemical variation, residue mobility, and thermodynamic stability) has been performed for this missense variant. However, the output from this modeling did not meet the statistical confidence thresholds required to predict the impact of this variant on FLNC protein function. In summary, the available evidence is currently insufficient to determine the role of this variant in disease. Therefore, it has been classified as a Variant of Uncertain Significance.

NM_001458.5(FLNC):c.2969C>T (p.Thr990Ile)

Gene: FLNC (filamin C; plus strand). Cytogenetic location: 7q32.1.
Variant type: single nucleotide variant.
Coding change: c.2969C>T on transcript NM_001458.5 (MANE Select); coding-DNA position 2969, C replaced by T.
Protein change: p.Thr990Ile; replaces threonine 990 with isoleucine.
Molecular consequence: missense variant.
Genome position (GRCh38, 1-based): chr7:128,844,043, C>T. VCF-style: chr7-128844043-C-T. GRCh37 (hg19) VCF-style: chr7-128484097-C-T.
Other names: c.2969C>T, p.Thr990Ile (NM_001127487.2); c.2969C>T (NM_001458.4); short protein forms T990I.
Identifiers: ClinVar variation 1485451 (VCV001485451.5), dbSNP rs933349270, ClinGen allele CA166177498.